The following is an entry in ClinVar:

NM_000283.4(PDE6B):c.2095C>A (p.Leu699Met)

Gene: PDE6B (phosphodiesterase 6B; plus strand). Cytogenetic location: 4p16.3.
Variant type: single nucleotide variant.
Coding change: c.2095C>A on transcript NM_000283.4 (MANE Select); coding-DNA position 2095, C replaced by A.
Protein change: p.Leu699Met; replaces leucine 699 with methionine.
Molecular consequence: missense variant.
Genome position (GRCh38, 1-based): chr4:664,187, C>A. VCF-style: chr4-664187-C-A. GRCh37 (hg19) VCF-style: chr4-657976-C-A.
Other names: c.2095C>A, p.Leu699Met (NM_001145291.2); c.1258C>A, p.Leu420Met (NM_001145292.2, NM_001350154.3, NM_001379246.1 and 1 more transcripts); c.940C>A, p.Leu314Met (NM_001350155.3); short protein forms L420M, L699M, L314M.
Identifiers: ClinVar variation 1942798 (VCV001942798.5), dbSNP rs1737497585, ClinGen allele CA355919507.
Genomic context (GRCh38, chr4:664,187, plus strand): 5'-TTTCAGAAGATCGTGGATGAGTCCAAGAACTACCAGGACAAGAAGAGCTGGGTGGAGTAC[C>A]TGTCCCTGGAGACGACCCGGAAGGAGATCGTCATGTGAGCGCGGGCGGAGGGGGCACGAG-3'
Protein context (NP_000274.3, residues 689-709): YQDKKSWVEY[Leu699Met]SLETTRKEIV

ClinVar aggregate classification (germline): Uncertain significance (1 of 4 stars; one submission).

gnomAD v4.1: 8 of 1,610,394 alleles (0.0005%); highest among the groups gnomAD compares: Non-Finnish European, 0.00068%; no homozygotes.

Submission:

Labcorp Genetics (formerly Invitae), Labcorp
Classification: Uncertain significance. Last evaluated: 2022-09-22. Review status: criteria provided, single submitter. Criteria: Invitae Variant Classification Sherloc (09022015). Collection method: clinical testing. Allele origin: germline.
Comment: This sequence change replaces leucine, which is neutral and non-polar, with methionine, which is neutral and non-polar, at codon 699 of the PDE6B protein (p.Leu699Met). In summary, the available evidence is currently insufficient to determine the role of this variant in disease. Therefore, it has been classified as a Variant of Uncertain Significance. Algorithms developed to predict the effect of missense changes on protein structure and function (SIFT, PolyPhen-2, Align-GVGD) all suggest that this variant is likely to be tolerated. This variant has not been reported in the literature in individuals affected with PDE6B-related conditions. This variant is not present in population databases (gnomAD no frequency).